The following is an entry in ClinVar:

ClinVar aggregate classification (germline): Likely benign (1 of 4 stars; one submission).

gnomAD v4.1: 134 of 1,571,068 alleles (0.0085%); highest among the groups gnomAD compares: Non-Finnish European, 0.01%; no homozygotes.

Submission:

CeGaT Center for Human Genetics Tuebingen
Classification: Likely benign. Last evaluated: 2025-09-01. Review status: criteria provided, single submitter. Criteria: CeGaT Center For Human Genetics Tuebingen Variant Classification Criteria Version 2. Collection method: clinical testing. Allele origin: germline. Affected: yes. Observed: 1 variant allele.
Comment: DOCK4: BP4

NM_001363540.2(DOCK4):c.3401+7A>G

Gene: DOCK4 (dedicator of cytokinesis 4; minus strand). Cytogenetic location: 7q31.1.
Variant type: single nucleotide variant.
Coding change: c.3401+7A>G on transcript NM_001363540.2 (MANE Select); 7 bases into the intron after coding-DNA position 3401, A replaced by G.
Molecular consequence: intron variant.
Genome position (GRCh38, 1-based): chr7:111,788,655, T>C on the plus strand (A>G on the coding strand, the complement: DOCK4 is on the minus strand). VCF-style: chr7-111788655-T-C. GRCh37 (hg19) VCF-style: chr7-111428711-T-C.
Other names: c.3401+7A>G (NM_014705.4).
Identifiers: ClinVar variation 4281164 (VCV004281164.7).